The following is an entry in ClinVar:

ClinVar aggregate classification (germline): Uncertain significance (1 of 4 stars; one submission).

Submission:

Labcorp Genetics (formerly Invitae), Labcorp
Classification: Uncertain significance. Last evaluated: 2025-06-13. Review status: criteria provided, single submitter. Criteria: Invitae Variant Classification Sherloc (09022015). Collection method: clinical testing. Allele origin: germline.
Comment: This sequence change replaces arginine, which is basic and polar, with leucine, which is neutral and non-polar, at codon 4541 of the KMT2C protein (p.Arg4541Leu). This variant is not present in population databases (gnomAD no frequency). This variant has not been reported in the literature in individuals affected with KMT2C-related conditions. An algorithm developed to predict the effect of missense changes on protein structure and function (PolyPhen-2) suggests that this variant is likely to be disruptive. In summary, the available evidence is currently insufficient to determine the role of this variant in disease. Therefore, it has been classified as a Variant of Uncertain Significance.

NM_170606.3(KMT2C):c.13622G>T (p.Arg4541Leu)

Gene: KMT2C (lysine methyltransferase 2C; minus strand). Cytogenetic location: 7q36.1.
Variant type: single nucleotide variant.
Coding change: c.13622G>T on transcript NM_170606.3 (MANE Select); coding-DNA position 13622, G replaced by T.
Protein change: p.Arg4541Leu; replaces arginine 4541 with leucine.
Molecular consequence: missense variant.
Genome position (GRCh38, 1-based): chr7:152,148,305, C>A on the plus strand (G>T on the coding strand, the complement: KMT2C is on the minus strand). VCF-style: chr7-152148305-C-A. GRCh37 (hg19) VCF-style: chr7-151845390-C-A.
Other names: short protein forms R4541L.
Identifiers: ClinVar variation 4714627 (VCV004714627.1).